The following is an entry in ClinVar:

ClinVar aggregate classification (germline): Pathogenic/Likely pathogenic. Review status: criteria provided, multiple submitters, no conflicts (2 of 4 stars). 8 submissions from 8 submitters: Pathogenic (1); Likely pathogenic (7). Last evaluated 2025-11-19.

Conditions:
Cardiomyopathy (CMYO). Also called: Cardiomyopathies. Identifiers: Orphanet 167848, MedGen C0878544, MONDO:0004994, HP:0001638. Inheritance: Various modes of inheritance.
Autosomal recessive limb-girdle muscular dystrophy type 2J (LGMDR10). Also called: Limb-girdle muscular dystrophy, type 2J; MUSCULAR DYSTROPHY, LIMB-GIRDLE, AUTOSOMAL RECESSIVE 10. Identifiers: Orphanet 140922, MedGen C1837342, MONDO:0012127, OMIM 608807.
Dilated cardiomyopathy 1G (CMD1G). Identifiers: Orphanet 154, MedGen C1858763, MONDO:0011400, OMIM 604145.
TTN-related disorder. Also called: TTN-related disorders; TTN-related condition; TTN-related disease.
Primary dilated cardiomyopathy (DCM). Also called: Dilated Cardiomyopathy. Identifiers: Orphanet 217604, MedGen C0007193, MeSH D002311, MONDO:0005021, HP:0001644. Inheritance: Various modes of inheritance.
Cardiovascular phenotype. Identifiers: MedGen CN230736.

Submissions (8):

Labcorp Genetics (formerly Invitae), Labcorp
Classification: Likely pathogenic for Dilated cardiomyopathy 1G; Autosomal recessive limb-girdle muscular dystrophy type 2J. Last evaluated: 2025-11-19. Review status: criteria provided, single submitter. Criteria: Invitae Variant Classification Sherloc (09022015). Collection method: clinical testing. Allele origin: germline.
Comment: This sequence change creates a premature translational stop signal (p.Glu20971Argfs*4) in the TTN gene. While this is not anticipated to result in nonsense mediated decay, it is expected to create a truncated TTN protein. This variant is not present in population databases (gnomAD no frequency). This variant has not been reported in the literature in individuals affected with TTN-related conditions. ClinVar contains an entry for this variant (Variation ID: 228301). This variant is located in the A band of TTN (PMID: 25589632). Truncating variants in this region are significantly overrepresented in patients affected with dilated cardiomyopathy (PMID: 25589632). Truncating variants in this region have also been reported in individuals affected with autosomal recessive centronuclear myopathy (PMID: 23975875). In summary, the currently available evidence indicates that the variant is pathogenic, but additional data are needed to prove that conclusively. Therefore, this variant has been classified as Likely Pathogenic.

Ambry Genetics
Classification: Likely pathogenic for Cardiovascular phenotype. Last evaluated: 2024-12-13. Review status: criteria provided, single submitter. Criteria: Ambry Variant Classification Scheme 2023. Collection method: clinical testing. Allele origin: germline.
Comment: The c.35714dupC variant, located in coding exon 131 of the TTN gene, results from a duplication of C at nucleotide position 35714, causing a translational frameshift with a predicted alternate stop codon (p.E11906Rfs*4). This exon is located in the A-band region of the N2-B isoform of the titin protein and is constitutively expressed in TTN transcripts (percent spliced in or PSI 100%). This variant is considered to be rare based on population cohorts in the Genome Aggregation Database (gnomAD). This alteration is expected to result in loss of function by premature protein truncation or nonsense-mediated mRNA decay. While truncating variants in TTN are present in 1-3% of the general population, truncating variants in the A-band are the most common cause of dilated cardiomyopathy (DCM) (Herman DS et al. N. Engl. J. Med., 2012 Feb;366:619-28; Roberts AM et al. Sci Transl Med, 2015 Jan;7:270ra6). TTN truncating variants encoded in constitutive exons (PSI >90%) have been found to be significantly associated with DCM regardless of their position in titin (Schafer S et al. Nat. Genet., 2017 01;49:46-53). Based on the majority of available evidence to date, this variant is likely to be pathogenic.

Clinical Genomics Laboratory, Washington University in St. Louis
Classification: Likely pathogenic for Dilated cardiomyopathy 1G. Last evaluated: 2024-03-29. Review status: criteria provided, single submitter. Criteria: ACMG Guidelines, 2015. Collection method: clinical testing. Allele origin: germline.
Comment: The TTN c.62909dup (p.Glu20971ArgfsTer4) variant has been reported in one large scale study, but it was not specified if the identified individual was affected with a TTN-related disorder (Haggerty CM et al., PMID: 31216868). This variant has been reported in the ClinVar database as a germline likely pathogenic variant by five submitters. This variant causes a frameshift by duplicating a single nucleotide, leading to a premature termination codon, which is predicted to lead to nonsense mediated decay. This variant is located in the TTN protein A-band and truncating variants in this region are strongly associated with dilated cardiomyopathy (Rich KA et al., PMID: 32815318; Roberts AM et al., PMID: 25589632). Based on available information and the ACMG/AMP guidelines for variant interpretation (Richards S et al., PMID: 25741868), this variant is classified as likely pathogenic.

Blueprint Genetics
Classification: Pathogenic for TTN-related disorders. Last evaluated: 2023-07-05. Review status: criteria provided, single submitter. Criteria: ACMG Guidelines, 2015. Collection method: clinical testing. Allele origin: germline. Affected: yes. Observed: 3 variant alleles.

CHEO Genetics Diagnostic Laboratory, Children's Hospital of Eastern Ontario
Classification: Likely pathogenic for Cardiomyopathy. Last evaluated: 2022-02-18. Review status: criteria provided, single submitter. Criteria: ACMG Guidelines, 2015. Collection method: clinical testing. Allele origin: germline.

Victorian Clinical Genetics Services, Murdoch Childrens Research Institute
Classification: Likely pathogenic for Dilated cardiomyopathy 1G. Last evaluated: 2022-02-02. Review status: criteria provided, single submitter. Criteria: ACMG Guidelines, 2015. Collection method: clinical testing. Allele origin: germline. Inheritance: Autosomal dominant inheritance.
Comment: Based on the classification scheme VCGS_Germline_v1.3.4, this variant is classified as Likely pathogenic. Following criteria are met: 0102 - Loss of function is known mechanism of disease in this gene. In addition, dominant-negative is also a suggested mechanism. (PMID: 25589632). (I) 0108 - This gene is associated with both recessive and dominant disease (OMIM). (I) 0112 - The condition associated with this gene has incomplete penetrance. Variants in this gene that result in a premature truncating codon (PTC) are known to have reduced penetrance in DCM (PMID: 25589632). (I) 0201 - Variant is predicted to cause nonsense-mediated decay (NMD) and loss of protein (premature termination codon is located at least 54 nucleotides upstream of the final exon-exon junction). (SP) 0251 - This variant is heterozygous. (I) 0301 - Variant is absent from gnomAD (both v2 and v3). (SP) 0600 - Variant is located in the annotated C-terminal A-band and the exon has a PSI score of 100 (PMID: 25589632). (I) 0703 - Other NMD-predicted variants comparable to the one identified in this case have moderate previous evidence for pathogenicity (ClinVar). (SP) 0802 - This variant has moderate previous evidence of pathogenicity in unrelated individuals (ClinVar). (SP) 0905 - No published segregation evidence has been identified for this variant. (I) 1007 - No published functional evidence has been identified for this variant. (I) 1208 - Inheritance information for this variant is not currently available in this individual. (I) Legend: (SP) - Supporting pathogenic, (I) - Information, (SB) - Supporting benign

Eurofins Ntd Llc (ga)
Classification: Likely pathogenic. Last evaluated: 2018-03-20. Review status: criteria provided, single submitter. Criteria: EGL ClinVar v180209 classification definitions. Collection method: clinical testing. Allele origin: germline. Observed: 1 variant allele, 1 heterozygote.

Laboratory for Molecular Medicine, Mass General Brigham Personalized Medicine
Classification: Likely pathogenic for Primary dilated cardiomyopathy. Last evaluated: 2015-02-13. Review status: criteria provided, single submitter. Criteria: LMM Criteria. Collection method: clinical testing. Allele origin: germline. Observed: 1 variant allele.
Comment: The p.Glu18403fs variant in TTN has not been previously reported in individuals with cardiomyopathy and was absent in large population studies. This variant is predicted to cause a frameshift, which alters the protein?s amino acid sequence beginning at position 18403 and leads to a premature termination codon 4 amino a cids downstream. This alteration is then predicted to lead to a truncated or abs ent protein. Frameshift and other truncating variants in TTN are strongly associ ated with DCM, particularly if they are located in the exons encoding for the A- band region of the protein (Herman 2012, Pugh 2014), where this variant is locat ed. In summary, although additional studies are required to fully establish its clinical significance, the p.Glu18403fs variant is likely pathogenic.

Literature cited by the submitters: PubMed 25589632 (cited by Labcorp Genetics (formerly Invitae), Labcorp and Victorian Clinical Genetics Services, Murdoch Childrens Research Institute); PubMed 23975875 (cited by Labcorp Genetics (formerly Invitae), Labcorp).

NM_001267550.2(TTN):c.62909dup (p.Glu20971fs)

Genes: TTN (titin; minus strand), TTN-AS1 (TTN antisense RNA 1; plus strand). Cytogenetic location: 2q31.2.
Variant type: Duplication.
Coding change: c.62909dup on transcript NM_001267550.2 (MANE Select); coding-DNA position 62909, one base duplicated (C; older notation c.62909dupC).
Protein change: p.Glu20971fs; shifts the reading frame from glutamic acid 20971.
Molecular consequence: frameshift variant.
Genome position (GRCh38, 1-based): chr2:178,588,816, G duplicated on the plus strand (C on the coding strand, the reverse complement: TTN is on the minus strand); the first of 5 consecutive G bases (chr2:178,588,816-178,588,820); duplicating any one gives the same sequence. VCF-style (leftmost placement, unchanged base first): chr2-178588815-T-TG. GRCh37 (hg19) VCF-style: chr2-179453542-T-TG.
Other names: NM_133378.4:c.55205dupC; p.Glu18403ArgfsX4; c.62909dupC (NM_001267550.1, NM_001267550.2); c.35714dupC (NM_003319.4); c.55205_55206insC (NM_133378.4); c.57986dup, p.Glu19330fs (NM_001256850.1); c.35714dup, p.Glu11906fs (NM_003319.4); c.55205dup, p.Glu18403fs (NM_133378.4); and 2 more; short protein forms E12098fs, E19330fs, E18403fs, E20971fs, E11906fs, E12031fs.
Identifiers: ClinVar variation 228301 (VCV000228301.27), dbSNP rs876657666, ClinGen allele CA10576500.
Genomic context (GRCh38, chr2:178,588,815, plus strand): 5'-ATCATATTCAGGTGGATTCCAAACCACAGTCATCTCTTCTTTGCTTACTTTAGTGACTTC[T>TG]GGGGGATCAGGGCGACCAGGTTTATCATACTTGGTTTTGGCTATGACTGGTTTACTTTCT-3'